The following is an entry in ClinVar:

ClinVar aggregate classification (germline): Uncertain significance. Review status: criteria provided, multiple submitters, no conflicts (2 of 4 stars). 2 submissions from 2 submitters: Uncertain significance (2). Last evaluated 2022-10-11.

Conditions:
Niemann-Pick disease, type C1. Also called: NIEMANN-PICK DISEASE WITHOUT SPHINGOMYELINASE DEFICIENCY; NIEMANN-PICK DISEASE, CHRONIC NEURONOPATHIC FORM; NEUROVISCERAL STORAGE DISEASE WITH VERTICAL SUPRANUCLEAR OPHTHALMOPLEGIA; NIEMANN-PICK DISEASE WITH CHOLESTEROL ESTERIFICATION BLOCK; NIEMANN-PICK DISEASE, VARIANT TYPE C1. Identifiers: Orphanet 646, MedGen C3179455, MONDO:0009757, OMIM 257220.

Allele frequency attached by ClinVar (database versions not stated): ExAC 0.00002; gnomAD 0.00006; TOPMed 0.00006; ESP Exome Variant Server 0.00008.
gnomAD v4.1: 12 of 1,611,808 alleles (0.00074%); highest among the groups gnomAD compares: African/African-American, 0.011%; no homozygotes.

Submissions (2):

Greenwood Genetic Center Diagnostic Laboratories, Greenwood Genetic Center
Classification: Uncertain significance. Last evaluated: 2022-10-11. Review status: criteria provided, single submitter. Criteria: ACMG Guidelines, 2015. Collection method: clinical testing. Allele origin: germline. Affected: yes.
Comment: PM2

Labcorp Genetics (formerly Invitae), Labcorp
Classification: Uncertain significance for Niemann-Pick disease, type C1. Last evaluated: 2021-09-17. Review status: criteria provided, single submitter. Criteria: Invitae Variant Classification Sherloc (09022015). Collection method: clinical testing. Allele origin: germline.
Comment: This sequence change replaces alanine with valine at codon 449 of the NPC1 protein (p.Ala449Val). The alanine residue is moderately conserved and there is a small physicochemical difference between alanine and valine. This variant is present in population databases (rs372289265, ExAC 0.01%). This variant has not been reported in the literature in individuals with NPC1-related conditions. Algorithms developed to predict the effect of missense changes on protein structure and function are either unavailable or do not agree on the potential impact of this missense change (SIFT: "Tolerated"; PolyPhen-2: "Possibly Damaging"; Align-GVGD: "Class C0"). In summary, the available evidence is currently insufficient to determine the role of this variant in disease. Therefore, it has been classified as a Variant of Uncertain Significance.

NM_000271.5(NPC1):c.1346C>T (p.Ala449Val)

Gene: NPC1 (NPC intracellular cholesterol transporter 1; minus strand). Cytogenetic location: 18q11.2.
Variant type: single nucleotide variant.
Coding change: c.1346C>T on transcript NM_000271.5 (MANE Select); coding-DNA position 1346, C replaced by T.
Protein change: p.Ala449Val; replaces alanine 449 with valine.
Molecular consequence: missense variant.
Genome position (GRCh38, 1-based): chr18:23,554,965, G>A on the plus strand (C>T on the coding strand, the complement: NPC1 is on the minus strand). VCF-style: chr18-23554965-G-A. GRCh37 (hg19) VCF-style: chr18-21134929-G-A.
Other names: short protein forms A449V.
Identifiers: ClinVar variation 2153160 (VCV002153160.5), dbSNP rs372289265, ClinGen allele CA8913480.